The following is an entry in ClinVar:

ClinVar aggregate classification (germline): Uncertain significance (1 of 4 stars; one submission).

Conditions:
Hereditary nonpolyposis colorectal neoplasms. Identifiers: MedGen C0009405, MeSH D003123.

Allele frequency attached by ClinVar (database versions not stated): gnomAD exomes below 0.00001.
gnomAD v4.1: 1 of 1,614,000 alleles (0.000062%); highest among the groups gnomAD compares: East Asian, 0.0022%; no homozygotes.

Submission:

Labcorp Genetics (formerly Invitae), Labcorp
Classification: Uncertain significance for Hereditary nonpolyposis colorectal neoplasms. Last evaluated: 2018-05-22. Review status: criteria provided, single submitter. Criteria: Invitae Variant Classification Sherloc (09022015). Collection method: clinical testing. Allele origin: germline.
Comment: In summary, the available evidence is currently insufficient to determine the role of this variant in disease. Therefore, it has been classified as a Variant of Uncertain Significance. Algorithms developed to predict the effect of missense changes on protein structure and function output the following: SIFT: "Tolerated"; PolyPhen-2: "Benign"; Align-GVGD: "Class C0". The glutamine amino acid residue is found in multiple mammalian species, suggesting that this missense change does not adversely affect protein function. These predictions have not been confirmed by published functional studies and their clinical significance is uncertain. This variant has not been reported in the literature in individuals with MSH6-related disease. This variant is not present in population databases (ExAC no frequency). This sequence change replaces lysine with glutamine at codon 155 of the MSH6 protein (p.Lys155Gln). The lysine residue is weakly conserved and there is a small physicochemical difference between lysine and glutamine.

NM_000179.3(MSH6):c.463A>C (p.Lys155Gln)

Gene: MSH6 (mutS homolog 6; plus strand). Cytogenetic location: 2p16.3.
Variant type: single nucleotide variant.
Coding change: c.463A>C on transcript NM_000179.3 (MANE Select); coding-DNA position 463, A replaced by C.
Protein change: p.Lys155Gln; replaces lysine 155 with glutamine.
Molecular consequence: missense variant. On other transcripts: 5 prime UTR variant (1), intron variant (2).
Genome position (GRCh38, 1-based): chr2:47,795,899, A>C. VCF-style: chr2-47795899-A-C. GRCh37 (hg19) VCF-style: chr2-48023038-A-C.
Other names: c.-440A>C (NM_001281494.2); c.-279-2712A>C (NM_001281493.2); c.238-2712A>C (NM_001281492.2); short protein forms K155Q.
Identifiers: ClinVar variation 579091 (VCV000579091.9), dbSNP rs1276159036, ClinGen allele CA346738564.